The following is an entry in ClinVar:

ClinVar aggregate classification (germline): Uncertain significance. Review status: criteria provided, multiple submitters, no conflicts (2 of 4 stars). 2 submissions from 2 submitters: Uncertain significance (2). Last evaluated 2025-06-14.

Conditions:
Inborn genetic diseases. Identifiers: MedGen C0950123, MeSH D030342.

gnomAD v4.1: 6 of 1,612,004 alleles (0.00037%); highest among the groups gnomAD compares: South Asian, 0.0022%; no homozygotes.

Submissions (2):

Labcorp Genetics (formerly Invitae), Labcorp
Classification: Uncertain significance. Last evaluated: 2025-06-14. Review status: criteria provided, single submitter. Criteria: Invitae Variant Classification Sherloc (09022015). Collection method: clinical testing. Allele origin: germline.
Comment: This sequence change replaces threonine, which is neutral and polar, with methionine, which is neutral and non-polar, at codon 486 of the ITGA3 protein (p.Thr486Met). The frequency data for this variant in the population databases is considered unreliable, as metrics indicate poor data quality at this position in the gnomAD database. This variant has not been reported in the literature in individuals affected with ITGA3-related conditions. ClinVar contains an entry for this variant (Variation ID: 3861528). Invitae Evidence Modeling of protein sequence and biophysical properties (such as structural, functional, and spatial information, amino acid conservation, physicochemical variation, residue mobility, and thermodynamic stability) indicates that this missense variant is expected to disrupt ITGA3 protein function with a positive predictive value of 80%. In summary, the available evidence is currently insufficient to determine the role of this variant in disease. Therefore, it has been classified as a Variant of Uncertain Significance.

Ambry Genetics
Classification: Uncertain significance for Inborn genetic diseases. Last evaluated: 2025-02-07. Review status: criteria provided, single submitter. Criteria: Ambry Variant Classification Scheme 2023. Collection method: clinical testing. Allele origin: germline.

NM_002204.4(ITGA3):c.1457C>T (p.Thr486Met)

Gene: ITGA3 (integrin subunit alpha 3; plus strand). Cytogenetic location: 17q21.33.
Variant type: single nucleotide variant.
Coding change: c.1457C>T on transcript NM_002204.4 (MANE Select); coding-DNA position 1457, C replaced by T.
Protein change: p.Thr486Met; replaces threonine 486 with methionine.
Molecular consequence: missense variant.
Genome position (GRCh38, 1-based): chr17:50,074,522, C>T. VCF-style: chr17-50074522-C-T. GRCh37 (hg19) VCF-style: chr17-48151886-C-T.
Other names: NM_005501.2:c.1457C>T; short protein forms T486M.
Identifiers: ClinVar variation 3861528 (VCV003861528.2).